The following is an entry in ClinVar:

ClinVar aggregate classification (germline): Likely pathogenic, low penetrance (1 of 4 stars; one submission).

Conditions:
Atypical hemolytic-uremic syndrome. Identifiers: Orphanet 2134, MedGen C2931788, MONDO:0016244.

Submission:

Genomenon, Inc
Classification: Likely pathogenic, low penetrance for Atypical hemolytic-uremic syndrome. Last evaluated: 2025-10-02. Review status: criteria provided, single submitter. Criteria: Genomenon Sequence Variant Interpretation Standards - Updated. Collection method: curation. Allele origin: germline. Affected: yes.
Comment: CFH p.Cys623Ser (c.1867T>A) is a missense variant that changes the amino acid at residue 623 from Cysteine to Serine. This variant has been observed in at least one proband affected with atypical hemolytic-uremic syndrome (PMID:30890598). It is absent or not present at a significant frequency in gnomAD. In silico models agree that this variant is possibly or probably damaging. Another cDNA variant that causes the same protein consequence has been determined to be pathogenic/likely pathogenic. In conclusion, we classify CFH p.Cys623Ser (c.1867T>A) as a likely pathogenic, low penetrance variant.

Literature cited by the submitters: PubMed 30890598.

NM_000186.4(CFH):c.1867T>A (p.Cys623Ser)

Gene: CFH (complement factor H; plus strand). Cytogenetic location: 1q31.3.
Variant type: single nucleotide variant.
Coding change: c.1867T>A on transcript NM_000186.4 (MANE Select); coding-DNA position 1867, T replaced by A.
Protein change: p.Cys623Ser; replaces cysteine 623 with serine.
Molecular consequence: missense variant.
Genome position (GRCh38, 1-based): chr1:196,725,291, T>A. VCF-style: chr1-196725291-T-A. GRCh37 (hg19) VCF-style: chr1-196694421-T-A.
Other names: short protein forms C623S.
Identifiers: ClinVar variation 4291659 (VCV004291659.1).